The following is an entry in ClinVar:

NM_000719.7(CACNA1C):c.1229A>G (p.Lys410Arg)

Gene: CACNA1C (calcium voltage-gated channel subunit alpha1 C; plus strand). Cytogenetic location: 12p13.33.
Variant type: single nucleotide variant.
Coding change: c.1229A>G on transcript NM_000719.7 (MANE Select); coding-DNA position 1229, A replaced by G.
Protein change: p.Lys410Arg; replaces lysine 410 with arginine.
Molecular consequence: missense variant.
Genome position (GRCh38, 1-based): chr12:2,512,823, A>G. VCF-style: chr12-2512823-A-G. GRCh37 (hg19) VCF-style: chr12-2621989-A-G.
Other names: c.1229A>G, p.Lys410Arg (NM_001129827.2, NM_001129829.2, NM_001129830.3 and 18 more transcripts); c.1220A>G, p.Lys407Arg (NM_001129844.2); short protein forms K407R, K410R.
Identifiers: ClinVar variation 1378496 (VCV001378496.6), dbSNP rs2154579664, ClinGen allele CA383366913.

ClinVar aggregate classification (germline): Uncertain significance (1 of 4 stars; one submission).

Conditions:
Long QT syndrome (LQTS). Identifiers: MedGen C0023976, MeSH D008133, MONDO:0002442. Disease mechanism: loss of function. Inheritance: Various modes of inheritance.

Submission:

Labcorp Genetics (formerly Invitae), Labcorp
Classification: Uncertain significance for Long QT syndrome. Last evaluated: 2021-08-29. Review status: criteria provided, single submitter. Criteria: Invitae Variant Classification Sherloc (09022015). Collection method: clinical testing. Allele origin: germline.
Comment: This sequence change replaces lysine with arginine at codon 410 of the CACNA1C protein (p.Lys410Arg). The lysine residue is highly conserved and there is a small physicochemical difference between lysine and arginine. This variant is not present in population databases (ExAC no frequency). This variant has not been reported in the literature in individuals affected with CACNA1C-related conditions. Algorithms developed to predict the effect of missense changes on protein structure and function are either unavailable or do not agree on the potential impact of this missense change (SIFT: "Deleterious"; PolyPhen-2: "Probably Damaging"; Align-GVGD: "Class C0"). In summary, the available evidence is currently insufficient to determine the role of this variant in disease. Therefore, it has been classified as a Variant of Uncertain Significance.